The following is an entry in ClinVar:

ClinVar aggregate classification (germline): Pathogenic (1 of 4 stars; one submission).

Conditions:
Hermansky-Pudlak syndrome 1 (HPS1). Also called: DELTA STORAGE POOL DISEASE. Identifiers: Orphanet 231500, Orphanet 79430, MedGen C2931875, MONDO:0008748, OMIM 203300.

Submission:

Myriad Genetics, Inc.
Classification: Pathogenic for Hermansky-Pudlak syndrome 1. Last evaluated: 2026-06-15. Review status: criteria provided, single submitter. Criteria: Myriad Autosomal Dominant, Autosomal Recessive and X-Linked Classification Criteria (2023). Collection method: clinical testing. Allele origin: unknown.
Comment: NM_000195.3(HPS1):c.330T>G(Y110*) is expected to be pathogenic in the context of Hermansky-Pudlak syndrome, HPS1-related. This variant is predicted to lead to an abnormal or absent protein product due to the creation of a premature termination codon in HPS1, a gene where loss-of-function variants are known to be pathogenic. Please note: this variant was assessed in the context of healthy population screening.

NM_000195.5(HPS1):c.330T>G (p.Tyr110Ter)

Gene: HPS1 (HPS1 biogenesis of lysosomal organelles complex 3 subunit 1; minus strand). Cytogenetic location: 10q24.2.
Variant type: single nucleotide variant.
Coding change: c.330T>G on transcript NM_000195.5 (MANE Select); coding-DNA position 330, T replaced by G.
Protein change: p.Tyr110Ter; replaces tyrosine 110 with a stop codon.
Molecular consequence: nonsense. On other transcripts: 5 prime UTR variant (2), intron variant (7).
Genome position (GRCh38, 1-based): chr10:98,435,340, A>C on the plus strand (T>G on the coding strand, the complement: HPS1 is on the minus strand). VCF-style: chr10-98435340-A-C. GRCh37 (hg19) VCF-style: chr10-100195097-A-C.
Other names: c.-587T>G (NM_001311345.2); c.330T>G, p.Tyr110Ter (NM_001322476.2, NM_001322477.2, NM_001322478.2 and 5 more transcripts); c.-686T>G (NM_001322487.2); c.29+295T>G (NM_001322483.2, NM_001322485.2, NM_001322484.2); c.255+295T>G (NM_001322480.2, NM_001322482.2, NM_001322481.2); c.-519+295T>G (NM_001322489.2); short protein forms Y110*.
Identifiers: ClinVar variation 5016042 (VCV005016042.1).